The following is an entry in ClinVar:

ClinVar aggregate classification (germline): Likely pathogenic (1 of 4 stars; one submission).

Allele frequency attached by ClinVar (database versions not stated): TOPMed 0.00001.

Submission:

Labcorp Genetics (formerly Invitae), Labcorp
Classification: Likely pathogenic. Last evaluated: 2023-02-27. Review status: criteria provided, single submitter. Criteria: Invitae Variant Classification Sherloc (09022015). Collection method: clinical testing. Allele origin: germline.
Comment: In summary, the currently available evidence indicates that the variant is pathogenic, but additional data are needed to prove that conclusively. Therefore, this variant has been classified as Likely Pathogenic. This variant disrupts the p.Val677 amino acid residue in SLC12A3. Other variant(s) that disrupt this residue have been determined to be pathogenic (PMID: 12112667, 21628937, 30596175). This suggests that this residue is clinically significant, and that variants that disrupt this residue are likely to be disease-causing. Advanced modeling of protein sequence and biophysical properties (such as structural, functional, and spatial information, amino acid conservation, physicochemical variation, residue mobility, and thermodynamic stability) performed at Invitae indicates that this missense variant is expected to disrupt SLC12A3 protein function. This variant has not been reported in the literature in individuals affected with SLC12A3-related conditions. This variant is not present in population databases (gnomAD no frequency). This sequence change replaces valine, which is neutral and non-polar, with glycine, which is neutral and non-polar, at codon 677 of the SLC12A3 protein (p.Val677Gly).

Literature cited by the submitters: PubMed 12112667; PubMed 21628937; PubMed 30596175.

NM_001126108.2(SLC12A3):c.2030T>G (p.Val677Gly)

Gene: SLC12A3 (solute carrier family 12 member 3; plus strand). Cytogenetic location: 16q13.
Variant type: single nucleotide variant.
Coding change: c.2030T>G on transcript NM_001126108.2 (MANE Select); coding-DNA position 2030, T replaced by G.
Protein change: p.Val677Gly; replaces valine 677 with glycine.
Molecular consequence: missense variant.
Genome position (GRCh38, 1-based): chr16:56,886,468, T>G. VCF-style: chr16-56886468-T-G. GRCh37 (hg19) VCF-style: chr16-56920380-T-G.
Other names: c.2030T>G, p.Val677Gly (NM_000339.3); c.2027T>G, p.Val676Gly (NM_001126107.2, NM_001410896.1); short protein forms V676G, V677G.
Identifiers: ClinVar variation 2841259 (VCV002841259.3), dbSNP rs2055312942, ClinGen allele CA395993402.